The following is an entry in ClinVar:

ClinVar aggregate classification (germline): Uncertain significance (1 of 4 stars; one submission).

Conditions:
Focal segmental glomerulosclerosis 1 (FSGS1). Identifiers: Orphanet 656, MedGen C4551527, MONDO:0011303, OMIM 603278.

Submission:

Victorian Clinical Genetics Services, Murdoch Childrens Research Institute
Classification: Uncertain significance for Focal segmental glomerulosclerosis 1. Last evaluated: 2020-10-15. Review status: criteria provided, single submitter. Criteria: ACMG Guidelines, 2015. Collection method: clinical testing. Allele origin: germline. Inheritance: Autosomal dominant inheritance.
Comment: Based on the classification scheme VCGS_Germline_v1.3.3, this variant is classified as 3A-VUS. Following criteria are met: 0103 - Dominant negative and gain of function are suggested mechanisms of disease in this gene and are associated with glomerulosclerosis, focal segmental, 1, (MIM#603278). Functional analysis of missense variants within the binding domain demonstrates they result in both increased actin binding, and impaired wildtype protein localization with downstream consequences such as protein aggregates and inability to stimulate nuclear transcription. Loss of function is also a potential mechanism of disease for variants within the LXXLL motif (PMID: 10700177, PMID: 22351778, PMID: 26740551, PMID: 26301083). (I) 0107 - This gene is associated with autosomal dominant disease. (I) 0115 - Variants in this gene are known to have variable expressivity (PMID: 26301083). 0200 - Variant is predicted to result in a missense amino acid change from isoleucine to arginine. (I) 0251 - This variant is heterozygous. (I) 0301 - Variant is absent from gnomAD (both v2 and v3). (SP) 0309 - An alternative amino acid change at the same position has been observed in gnomAD (v3) (1 heterozygote, 0 homozygotes). (I) 0501 - Missense variant consistently predicted to be damaging by multiple in silico tools or highly conserved with a major amino acid change. (SP) 0601 - Variant is located in the well-established functional calponin homology domain. This region is constrained (Decipher) and functional analysis of missense variants demonstrates impaired protein function (PMID: 10700177). (SP) 0705 - No comparable missense variants have previous evidence for pathogenicity. (I) 0807 - This variant has no previous evidence of pathogenicity. (I) 0905 - No published segregation evidence has been identified for this variant. (I) 1007 - No published functional evidence has been identified for this variant. (I) 1208 - Inheritance information for this variant is not currently available in this individual. (I) Legend: (SP) - Supporting pathogenic, (I) - Information, (SB) - Supporting benign

Literature cited by the submitters: PubMed 10700177; PubMed 22351778; PubMed 26301083; PubMed 26740551.

NM_004924.6(ACTN4):c.770T>G (p.Ile257Arg)

Gene: ACTN4 (actinin alpha 4; plus strand). Cytogenetic location: 19q13.2.
Variant type: single nucleotide variant.
Coding change: c.770T>G on transcript NM_004924.6 (MANE Select); coding-DNA position 770, T replaced by G.
Protein change: p.Ile257Arg; replaces isoleucine 257 with arginine.
Molecular consequence: missense variant. On other transcripts: intron variant (1).
Genome position (GRCh38, 1-based): chr19:38,710,293, T>G. VCF-style: chr19-38710293-T-G. GRCh37 (hg19) VCF-style: chr19-39200933-T-G.
Other names: c.733+817T>G (NM_001322033.2); short protein forms I257R.
Identifiers: ClinVar variation 1805750 (VCV001805750.1), dbSNP rs2515224127, ClinGen allele CA405697114.
Genomic context (GRCh38, chr19:38,710,293, plus strand): 5'-TTAACCCTTGTTGTTCACTTGCAGACATCGTGAACACGGCCCGGCCCGACGAGAAGGCCA[T>G]AATGACCTATGTGTCCAGCTTCTACCATGCCTTTTCAGGAGCGCAGAAGGTACCGAGCAG-3'
Protein context (NP_004915.2, residues 247-267): VNTARPDEKA[Ile257Arg]MTYVSSFYHA